The following is an entry in ClinVar:

NM_000238.4(KCNH2):c.244_252dup (p.Gln84_Ala85insIleAlaGln)

Gene: KCNH2 (potassium voltage-gated channel subfamily H member 2; minus strand). Cytogenetic location: 7q36.1.
Variant type: Duplication.
Coding change: c.244_252dup on transcript NM_000238.4 (MANE Select); coding-DNA positions 244 to 252, 9 bases duplicated (ATCGCGCAG; older notation c.244_252dupATCGCGCAG).
Protein change: p.Gln84_Ala85insIleAlaGln.
Molecular consequence: inframe insertion. On other transcripts: inframe indel (2).
Genome position (GRCh38, 1-based): chr7:150,974,766-150,974,774, CTGCGCGAT duplicated on the plus strand (ATCGCGCAG on the coding strand, the reverse complement: KCNH2 is on the minus strand); duplicating any 9 consecutive bases within chr7:150,974,766-150,974,781 gives the same sequence; the c. name uses the placement nearest the transcript's 3' end. VCF-style (leftmost placement, unchanged base first): chr7-150974765-C-CCTGCGCGAT. GRCh37 (hg19) VCF-style: chr7-150671853-C-CCTGCGCGAT.
Other names: c.244_252dupATCGCGCAG (NM_000238.2); c.60_68dup, p.Gln25_Ala26insIleAlaGln (NM_001406755.1); c.237_245dup, p.Gln84_Ala85insIleAlaGln (NM_172056.3).
Identifiers: ClinVar variation 200717 (VCV000200717.9), dbSNP rs794728476, ClinGen allele CA305342.

ClinVar aggregate classification (germline): Uncertain significance. Review status: criteria provided, multiple submitters, no conflicts (2 of 4 stars). 3 submissions from 2 submitters: Uncertain significance (2). 1 of the submissions does not count toward it. Last evaluated 2024-09-29.

Conditions:
Cardiac arrhythmia. Also called: Arrhythmia; Cardiac rhythm disease. Identifiers: MedGen C0003811, MONDO:0007263, HP:0011675.
Long QT syndrome (LQTS). Identifiers: MedGen C0023976, MeSH D008133, MONDO:0002442. Disease mechanism: loss of function. Inheritance: Various modes of inheritance.

Submissions (3):

Labcorp Genetics (formerly Invitae), Labcorp
Classification: Uncertain significance for Long QT syndrome. Last evaluated: 2024-09-29. Review status: criteria provided, single submitter. Criteria: Invitae Variant Classification Sherloc (09022015). Collection method: clinical testing. Allele origin: germline.
Comment: This variant, c.244_252dup, results in the insertion of 3 amino acid(s) of the KCNH2 protein (p.Ile82_Gln84dup), but otherwise preserves the integrity of the reading frame. This variant is not present in population databases (gnomAD no frequency). This variant has been observed in individual(s) with clinical features of long QT Syndrome or cardiac arrhythmia (PMID: 11468227, 23098067, 36861347; internal data). This variant is also known as 244-252ins9 (82-84insIAQ). ClinVar contains an entry for this variant (Variation ID: 200717). Experimental studies and prediction algorithms are not available or were not evaluated, and the functional significance of this variant is currently unknown. In summary, the available evidence is currently insufficient to determine the role of this variant in disease. Therefore, it has been classified as a Variant of Uncertain Significance.

GeneDx
Classification: Uncertain significance. Last evaluated: 2020-06-30. Review status: criteria provided, single submitter. Criteria: GeneDx Variant Classification Process June 2021. Collection method: clinical testing. Allele origin: germline. Affected: yes.
Comment: Reported in association with Long QT syndrome (Larsen et al., 2001; Stattin et al., 2012); Not observed in large population cohorts (Lek et al., 2016); In-frame duplication of three amino acids in a non-repeat region; This variant is associated with the following publications: (PMID: 11468227, 23098067)

GeneDx
Classification: Pathogenic for Cardiac arrhythmia. Last evaluated: 2013-12-23. Review status: flagged submission. Criteria: GeneDx Variant Classification (06012015). Collection method: clinical testing. Allele origin: germline. Affected: yes. Not counted in ClinVar's aggregate classification.
Comment: c.244_252dupATCGCGCAG: p.Ile82_Gln84dup (I82_Q84dup) in exon 2 of the KCNH2 gene (NM_000238.2). The c.244_252dupATCGCGCAG mutation in the KCNH2 gene has been reported in a single individual with LQTS and was not observed in 100 controls (Larsen L et al., 2001) . Other in-frame duplications have been reported in the KCNH2 gene in association with LQTS. In summary, c.244_252dupATCGCGCAG in the KCNH2 gene is interpreted as a disease-causing mutation. The variant is found in LQT panel(s).
ClinVar note: Reason: This record appears to be redundant with a more recent record from the same submitter.
ClinVar note: Notes: SCV000234319 appears to be redundant with SCV001988377.

Literature cited by the submitters: PubMed 11468227 (cited by Labcorp Genetics (formerly Invitae), Labcorp); PubMed 23098067 (cited by Labcorp Genetics (formerly Invitae), Labcorp); PubMed 36861347 (cited by Labcorp Genetics (formerly Invitae), Labcorp).